The following is an entry in ClinVar:

NM_007055.4(POLR3A):c.601A>G (p.Ile201Val)

Gene: POLR3A (RNA polymerase III subunit A; minus strand). Cytogenetic location: 10q22.3.
Variant type: single nucleotide variant.
Coding change: c.601A>G on transcript NM_007055.4 (MANE Select); coding-DNA position 601, A replaced by G.
Protein change: p.Ile201Val; replaces isoleucine 201 with valine.
Molecular consequence: missense variant.
Genome position (GRCh38, 1-based): chr10:78,024,593, T>C on the plus strand (A>G on the coding strand, the complement: POLR3A is on the minus strand). VCF-style: chr10-78024593-T-C. GRCh37 (hg19) VCF-style: chr10-79784351-T-C.
Other names: short protein forms I201V.
Identifiers: ClinVar variation 1902698 (VCV001902698.6), dbSNP rs377131755, ClinGen allele CA5571658.
Genomic context (GRCh38, chr10:78,024,593, plus strand): 5'-GCATTCTCAGGCTCACCTGTGCCCTTCCCAGCAGAGGCTCCACTTCTTTATTATGTTCAA[T>C]GGCTGTTTCAAAAGACTGAAGGAAATTTGATACAATGGGATCCACCACTTTTTTGTTGGT-3'
Protein context (NP_008986.2, residues 191-211): SNFLQSFETA[Ile201Val]EHNKEVEPLL

ClinVar aggregate classification (germline): Uncertain significance. Review status: criteria provided, multiple submitters, no conflicts (2 of 4 stars). 2 submissions from 2 submitters: Uncertain significance (2). Last evaluated 2025-12-19.

Allele frequency attached by ClinVar (database versions not stated): ExAC 0.00001; gnomAD 0.00001; ESP Exome Variant Server 0.00008.
gnomAD v4.1: 27 of 1,613,938 alleles (0.0017%); highest among the groups gnomAD compares: Middle Eastern, 0.017%; no homozygotes.

Submissions (2):

Labcorp Genetics (formerly Invitae), Labcorp
Classification: Uncertain significance. Last evaluated: 2025-12-19. Review status: criteria provided, single submitter. Criteria: Invitae Variant Classification Sherloc (09022015). Collection method: clinical testing. Allele origin: germline.
Comment: This sequence change replaces isoleucine, which is neutral and non-polar, with valine, which is neutral and non-polar, at codon 201 of the POLR3A protein (p.Ile201Val). This variant is present in population databases (rs377131755, gnomAD 0.0009%). This variant has not been reported in the literature in individuals affected with POLR3A-related conditions. ClinVar contains an entry for this variant (Variation ID: 1902698). Invitae Evidence Modeling of protein sequence and biophysical properties (such as structural, functional, and spatial information, amino acid conservation, physicochemical variation, residue mobility, and thermodynamic stability) indicates that this missense variant is not expected to disrupt POLR3A protein function with a negative predictive value of 80%. In summary, the available evidence is currently insufficient to determine the role of this variant in disease. Therefore, it has been classified as a Variant of Uncertain Significance.

Blueprint Genetics
Classification: Uncertain significance. Last evaluated: 2023-05-09. Review status: criteria provided, single submitter. Criteria: ACMG Guidelines, 2015. Collection method: clinical testing. Allele origin: germline.